The following is an entry in ClinVar:

ClinVar aggregate classification (germline): Uncertain significance (1 of 4 stars; one submission).

Submission:

GeneDx
Classification: Uncertain significance. Last evaluated: 2026-04-24. Review status: criteria provided, single submitter. Criteria: GeneDx Variant Classification Process June 2021. Collection method: clinical testing. Allele origin: germline.
Comment: Not observed at significant frequency in large population cohorts (gnomAD); In silico analysis supports that this missense variant has a deleterious effect on protein structure/function; Has not been previously published as pathogenic or benign to our knowledge

NM_004415.4(DSP):c.755A>G (p.Glu252Gly)

Gene: DSP (desmoplakin; plus strand). Cytogenetic location: 6p24.3.
Variant type: single nucleotide variant.
Coding change: c.755A>G on transcript NM_004415.4 (MANE Select); coding-DNA position 755, A replaced by G.
Protein change: p.Glu252Gly; replaces glutamic acid 252 with glycine.
Molecular consequence: missense variant.
Genome position (GRCh38, 1-based): chr6:7,563,764, A>G. VCF-style: chr6-7563764-A-G. GRCh37 (hg19) VCF-style: chr6-7563997-A-G.
Other names: c.755A>G, p.Glu252Gly (NM_001008844.3, NM_001319034.2, NM_001406591.1); short protein forms E252G.
Identifiers: ClinVar variation 5037634 (VCV005037634.1).